The following is an entry in ClinVar:

NM_005045.4(RELN):c.9880G>A (p.Gly3294Ser)

Genes: SLC26A5-AS1 (SLC26A5 antisense RNA 1; plus strand), RELN (reelin; minus strand). Cytogenetic location: 7q22.1.
Variant type: single nucleotide variant.
Coding change: c.9880G>A on transcript NM_005045.4 (MANE Select); coding-DNA position 9880, G replaced by A.
Protein change: p.Gly3294Ser; replaces glycine 3294 with serine.
Molecular consequence: missense variant.
Genome position (GRCh38, 1-based): chr7:103,486,300, C>T on the plus strand (G>A on the coding strand, the complement: RELN is on the minus strand). VCF-style: chr7-103486300-C-T. GRCh37 (hg19) VCF-style: chr7-103126747-C-T.
Other names: c.9880G>A, p.Gly3294Ser (NM_173054.3); short protein forms G3294S.
Identifiers: ClinVar variation 2945209 (VCV002945209.3), dbSNP rs767174708, ClinGen allele CA4420109.

ClinVar aggregate classification (germline): Uncertain significance (1 of 4 stars; one submission).

Conditions:
Norman-Roberts syndrome (LIS2). Also called: Lissencephaly 2 (Norman-Roberts type). Identifiers: Orphanet 89844, MedGen C0796089, MONDO:0009760, OMIM 257320.
Familial temporal lobe epilepsy 7. Identifiers: Orphanet 101046, MedGen C4225327, MONDO:0014639, OMIM 616436.

Allele frequency attached by ClinVar (database versions not stated): gnomAD exomes below 0.00001; ExAC 0.00001.
gnomAD v4.1: 1 of 1,614,170 alleles (0.000062%); highest among the groups gnomAD compares: South Asian, 0.0011%; no homozygotes.

Submission:

Labcorp Genetics (formerly Invitae), Labcorp
Classification: Uncertain significance for Familial temporal lobe epilepsy 7; Norman-Roberts syndrome. Last evaluated: 2023-03-20. Review status: criteria provided, single submitter. Criteria: Invitae Variant Classification Sherloc (09022015). Collection method: clinical testing. Allele origin: germline.
Comment: In summary, the available evidence is currently insufficient to determine the role of this variant in disease. Therefore, it has been classified as a Variant of Uncertain Significance. This sequence change replaces glycine, which is neutral and non-polar, with serine, which is neutral and polar, at codon 3294 of the RELN protein (p.Gly3294Ser). This variant is present in population databases (rs767174708, gnomAD 0.003%). This variant has not been reported in the literature in individuals affected with RELN-related conditions. Advanced modeling of protein sequence and biophysical properties (such as structural, functional, and spatial information, amino acid conservation, physicochemical variation, residue mobility, and thermodynamic stability) performed at Invitae indicates that this missense variant is not expected to disrupt RELN protein function.